The following is an entry in ClinVar:

ClinVar aggregate classification (germline): Uncertain significance (1 of 4 stars; one submission).

Conditions:
Hereditary cancer-predisposing syndrome. Also called: Neoplastic Syndromes, Hereditary; Tumor predisposition; Hereditary Cancer Syndrome; Hereditary neoplastic syndrome. Identifiers: Orphanet 140162, MedGen C0027672, MeSH D009386, MONDO:0015356.

Submission:

Ambry Genetics
Classification: Uncertain significance for Hereditary cancer-predisposing syndrome. Last evaluated: 2026-02-26. Review status: criteria provided, single submitter. Criteria: Ambry Variant Classification Scheme 2023. Collection method: clinical testing. Allele origin: germline.
Comment: The p.R230P variant (also known as c.689G>C), located in coding exon 6 of the APC gene, results from a G to C substitution at nucleotide position 689. The arginine at codon 230 is replaced by proline, an amino acid with dissimilar properties. This amino acid position is conserved. In addition, in silico predictors for this gene do not accurately predict pathogenicity. Based on the available evidence, the clinical significance of this variant remains unclear.

NM_000038.6(APC):c.689G>C (p.Arg230Pro)

Gene: APC (APC regulator of Wnt signaling pathway; plus strand). Cytogenetic location: 5q22.2.
Variant type: single nucleotide variant.
Coding change: c.689G>C on transcript NM_000038.6 (MANE Select); coding-DNA position 689, G replaced by C.
Protein change: p.Arg230Pro; replaces arginine 230 with proline.
Molecular consequence: missense variant. On other transcripts: 5 prime UTR variant (4), non-coding transcript variant (2), intron variant (5).
Genome position (GRCh38, 1-based): chr5:112,792,489, G>C. VCF-style: chr5-112792489-G-C. GRCh37 (hg19) VCF-style: chr5-112128186-G-C.
Other names: c.689G>C, p.Arg230Pro (NM_001127510.3, NM_001354895.2, NM_001354896.2 and 12 more transcripts); c.719G>C, p.Arg240Pro (NM_001354897.2, NM_001354902.2, NM_001407446.1); c.614G>C, p.Arg205Pro (NM_001354898.2, NM_001354904.2, NM_001407451.1); c.512G>C, p.Arg171Pro (NM_001354900.2, NM_001354901.2, NM_001354905.2 and 1 more transcripts); c.-347G>C (NM_001354906.2, NM_001407470.1, NM_001407471.1 and 1 more transcripts); c.646-8790G>C (NM_001407452.1, NM_001407469.1, NM_001354899.2 and 1 more transcripts); c.676-8790G>C (NM_001127511.3); short protein forms R171P, R205P, R230P, R240P.
Identifiers: ClinVar variation 4827290 (VCV004827290.1).